The following is an entry in ClinVar:

ClinVar aggregate classification (germline): Likely pathogenic (1 of 4 stars; one submission).

Submission:

Labcorp Genetics (formerly Invitae), Labcorp
Classification: Likely pathogenic. Last evaluated: 2026-01-09. Review status: criteria provided, single submitter. Criteria: Invitae Variant Classification Sherloc (09022015). Collection method: clinical testing. Allele origin: germline.
Comment: This sequence change affects a donor splice site in intron 20 of the TNXB gene. It is expected to disrupt RNA splicing. Variants that disrupt the donor or acceptor splice site typically lead to a loss of protein function (PMID: 16199547), and loss-of-function variants in TNXB are known to be pathogenic (PMID: 9288108, 11642233). This variant is not present in population databases (gnomAD no frequency). This variant has not been reported in the literature in individuals affected with TNXB-related conditions. In summary, the currently available evidence indicates that the variant is pathogenic, but additional data are needed to prove that conclusively. Therefore, this variant has been classified as Likely Pathogenic.

Literature cited by the submitters: PubMed 16199547; PubMed 9288108; PubMed 11642233.

NM_001365276.2(TNXB):c.7168+2T>C

Gene: TNXB (tenascin XB; minus strand). Cytogenetic location: 6p21.33.
Variant type: single nucleotide variant.
Coding change: c.7168+2T>C on transcript NM_001365276.2 (MANE Select); the canonical splice donor site of the intron after coding-DNA position 7168, T replaced by C.
Molecular consequence: splice donor variant.
Genome position (GRCh38, 1-based): chr6:32,062,155, A>G on the plus strand (T>C on the coding strand, the complement: TNXB is on the minus strand). VCF-style: chr6-32062155-A-G. GRCh37 (hg19) VCF-style: chr6-32029932-A-G.
Other names: c.7168+2T>C (NM_019105.8); c.7909+2T>C (NM_001428335.1).
Identifiers: ClinVar variation 4734964 (VCV004734964.1).
Genomic context (GRCh38, chr6:32,062,155, plus strand): 5'-CCAAAGAGCAAGAGGGTGACCCTCCCATGGCTCCCACCCTGGGGCTCCCATCGTCCACTC[A>G]CCTGTCACCCCGATGGCAGACACGGGGCCCACACGCTGGCCACCGTGGAAGCCGTACAGG-3'